The following is an entry in ClinVar:

ClinVar aggregate classification (germline): Uncertain significance (1 of 4 stars; one submission).

Conditions:
P3H1-related disorder. Also called: P3H1-related condition.

gnomAD v4.1: 52 of 1,614,182 alleles (0.0032%); highest among the groups gnomAD compares: East Asian, 0.031%; no homozygotes.

Submission:

PreventionGenetics, part of Exact Sciences
Classification: Uncertain significance for P3H1-related condition. Last evaluated: 2024-12-10. Review status: criteria provided, single submitter. Criteria: ACMG Guidelines, 2015. Collection method: clinical testing. Allele origin: germline.
Comment: The P3H1 c.2284G>A variant is predicted to result in the amino acid substitution p.Asp762Asn. To our knowledge, this variant has not been reported in the literature. This variant is reported in 0.055% of alleles in individuals of East Asian descent in gnomAD. Although we suspect that this variant may be benign, at this time, the clinical significance of this variant is uncertain due to the absence of conclusive functional and genetic evidence.

NM_022356.4(P3H1):c.2056-191G>A

Gene: P3H1 (prolyl 3-hydroxylase 1; minus strand). Cytogenetic location: 1p34.2.
Variant type: single nucleotide variant.
Coding change: c.2056-191G>A on transcript NM_022356.4 (MANE Select); 191 bases into the intron before coding-DNA position 2056, G replaced by A.
Molecular consequence: intron variant. On other transcripts: missense variant (1).
Genome position (GRCh38, 1-based): chr1:42,747,043, C>T on the plus strand (G>A on the coding strand, the complement: P3H1 is on the minus strand). VCF-style: chr1-42747043-C-T. GRCh37 (hg19) VCF-style: chr1-43212714-C-T.
Other names: c.2284G>A, p.Asp762Asn (NM_001243246.2); c.2075-191G>A (NM_001146289.2); short protein forms D762N.
Identifiers: ClinVar variation 4996281 (VCV004996281.1).